The following is an entry in ClinVar:

NC_000010.11:g.79723335del

Gene: NUTM2B-AS1 (NUTM2B antisense RNA 1; minus strand). Cytogenetic location: 10q22.3.
Variant type: Deletion.
Genome position: GRCh38 VCF-style: chr10-79723334-AT-A. GRCh37 (hg19) VCF-style: chr10-81483090-AT-A.
Identifiers: ClinVar variation 3771724 (VCV003771724.13).
Genomic context (GRCh38, chr10:79,723,334, plus strand): 5'-TGTACAGTTAAAAATGATTAAAATGGCAAATTGCATATGTCTTTCTCCGTTTGTGTTGCT[AT>A]AAAGGAATACCCAAGGCTGGGTAATTTATAAAGAAAAGAGGTGTATTTAGCTTATGATTC-3'

ClinVar aggregate classification (germline): Likely benign (1 of 4 stars; one submission).

Submission:

CeGaT Center for Human Genetics Tuebingen
Classification: Likely benign. Last evaluated: 2025-08-01. Review status: criteria provided, single submitter. Criteria: CeGaT Center For Human Genetics Tuebingen Variant Classification Criteria Version 2. Collection method: clinical testing. Allele origin: germline. Affected: yes. Observed: 2 variant alleles.
Comment: NUTM2B-AS1: BS2